The following is an entry in ClinVar:

NM_001029883.3(PCARE):c.2073T>C (p.His691=)

Gene: PCARE (photoreceptor cilium actin regulator; minus strand). Cytogenetic location: 2p23.2.
Variant type: single nucleotide variant.
Coding change: c.2073T>C on transcript NM_001029883.3 (MANE Select); coding-DNA position 2073, T replaced by C.
Protein change: p.His691=; no amino-acid change (histidine 691 retained).
Molecular consequence: synonymous variant.
Genome position (GRCh38, 1-based): chr2:29,072,189, A>G on the plus strand (T>C on the coding strand, the complement: PCARE is on the minus strand). VCF-style: chr2-29072189-A-G. GRCh37 (hg19) VCF-style: chr2-29295055-A-G.
Other names: c.2073T>C (NM_001029883.2).
Identifiers: ClinVar variation 1605403 (VCV001605403.9), dbSNP rs1667502327, ClinGen allele CA425617802.

ClinVar aggregate classification (germline): Likely benign. Review status: criteria provided, multiple submitters, no conflicts (2 of 4 stars). 2 submissions from 2 submitters: Likely benign (2). Last evaluated 2025-07-02.

Conditions:
PCARE-related disorder. Also called: PCARE-related condition.

Allele frequency attached by ClinVar (database versions not stated): gnomAD exomes below 0.00001; TOPMed 0.00001.
gnomAD v4.1: 2 of 1,614,106 alleles (0.00012%); highest among the groups gnomAD compares: Non-Finnish European, 0.000085%; no homozygotes.

Submissions (2):

PreventionGenetics, part of Exact Sciences
Classification: Likely benign for PCARE-related condition. Last evaluated: 2025-07-02. Review status: criteria provided, single submitter. Criteria: ACMG Guidelines, 2015. Collection method: clinical testing. Allele origin: germline.
Comment: This variant is classified as likely benign based on ACMG/AMP sequence variant interpretation guidelines (Richards et al. 2015 PMID: 25741868, with internal and published modifications).

Labcorp Genetics (formerly Invitae), Labcorp
Classification: Likely benign. Last evaluated: 2024-08-13. Review status: criteria provided, single submitter. Criteria: Invitae Variant Classification Sherloc (09022015). Collection method: clinical testing. Allele origin: germline.